The following is an entry in ClinVar:

NM_001042492.3(NF1):c.6766A>C (p.Ser2256Arg)

Gene: NF1 (neurofibromin 1; plus strand). Cytogenetic location: 17q11.2.
Variant type: single nucleotide variant.
Coding change: c.6766A>C on transcript NM_001042492.3 (MANE Select); coding-DNA position 6766, A replaced by C.
Protein change: p.Ser2256Arg; replaces serine 2256 with arginine.
Molecular consequence: missense variant.
Genome position (GRCh38, 1-based): chr17:31,338,086, A>C. VCF-style: chr17-31338086-A-C. GRCh37 (hg19) VCF-style: chr17-29665104-A-C.
Other names: c.6703A>C, p.Ser2235Arg (NM_000267.4); short protein forms S2235R, S2256R.
Identifiers: ClinVar variation 3634590 (VCV003634590.2).
Genomic context (GRCh38, chr17:31,338,086, plus strand): 5'-TTTGCATTCCAATATAATCCATCCCTGCAACCAAGAGCTCTTGTTGTCTTTGGGTGTATT[A>C]GCAAACGAGTGTCTCATGGGCAGATAAAGCAGATAATCCGTATTCTTAGCAAGGTACCTG-3'
Protein context (NP_001035957.1, residues 2246-2266): PRALVVFGCI[Ser2256Arg]KRVSHGQIKQ

ClinVar aggregate classification (germline): Uncertain significance (1 of 4 stars; one submission).

Conditions:
Neurofibromatosis, type 1 (NF1). Also called: VON RECKLINGHAUSEN DISEASE; Peripheral type neurofibromatosis; NEUROFIBROMATOSIS, TYPE I, SOMATIC; Neurofibromatosis, type I. Identifiers: Orphanet 636, MedGen C0027831, MONDO:0018975, OMIM 162200. Disease mechanism: loss of function.

Submission:

Labcorp Genetics (formerly Invitae), Labcorp
Classification: Uncertain significance for Neurofibromatosis, type 1. Last evaluated: 2024-11-26. Review status: criteria provided, single submitter. Criteria: Invitae Variant Classification Sherloc (09022015). Collection method: clinical testing. Allele origin: germline.
Comment: This sequence change replaces serine, which is neutral and polar, with arginine, which is basic and polar, at codon 2235 of the NF1 protein (p.Ser2235Arg). This variant is not present in population databases (gnomAD no frequency). This variant has not been reported in the literature in individuals affected with NF1-related conditions. Invitae Evidence Modeling of protein sequence and biophysical properties (such as structural, functional, and spatial information, amino acid conservation, physicochemical variation, residue mobility, and thermodynamic stability) indicates that this missense variant is expected to disrupt NF1 protein function with a positive predictive value of 95%. In summary, the available evidence is currently insufficient to determine the role of this variant in disease. Therefore, it has been classified as a Variant of Uncertain Significance.